The following is an entry in ClinVar:

ClinVar aggregate classification (germline): Uncertain significance (1 of 4 stars; one submission).

Conditions:
Inborn genetic diseases. Identifiers: MedGen C0950123, MeSH D030342.

Submission:

Ambry Genetics
Classification: Uncertain significance for Inborn genetic diseases. Last evaluated: 2026-01-14. Review status: criteria provided, single submitter. Criteria: Ambry Variant Classification Scheme 2023. Collection method: clinical testing. Allele origin: germline.
Comment: The p.H1464L variant (also known as c.4391A>T), located in coding exon 30 of the ANKRD26 gene, results from an A to T substitution at nucleotide position 4391. The histidine at codon 1464 is replaced by leucine, an amino acid with similar properties. This amino acid position is conserved. In addition, this alteration is predicted to be tolerated by in silico analysis. Based on the available evidence, the clinical significance of this variant remains unclear.

NM_014915.3(ANKRD26):c.4391A>T (p.His1464Leu)

Gene: ANKRD26 (ankyrin repeat domain 26; minus strand). Cytogenetic location: 10p12.1.
Variant type: single nucleotide variant.
Coding change: c.4391A>T on transcript NM_014915.3 (MANE Select); coding-DNA position 4391, A replaced by T.
Protein change: p.His1464Leu; replaces histidine 1464 with leucine.
Molecular consequence: missense variant.
Genome position (GRCh38, 1-based): chr10:27,017,617, T>A on the plus strand (A>T on the coding strand, the complement: ANKRD26 is on the minus strand). VCF-style: chr10-27017617-T-A. GRCh37 (hg19) VCF-style: chr10-27306546-T-A.
Other names: c.4388A>T, p.His1463Leu (NM_001256053.2); short protein forms H1464L, H1463L.
Identifiers: ClinVar variation 4842369 (VCV004842369.1).